The following is an entry in ClinVar:

ClinVar aggregate classification (germline): Uncertain significance (1 of 4 stars; one submission).

Conditions:
Brachyolmia-amelogenesis imperfecta syndrome. Also called: PLATYSPONDYLY WITH AMELOGENESIS IMPERFECTA; Tooth agenesis, selective, 6; Dental anomalies and short stature. Identifiers: Orphanet 2899, MedGen C1832594, MONDO:0011018, OMIM 601216. Disease mechanism: loss of function.

Submission:

Labcorp Genetics (formerly Invitae), Labcorp
Classification: Uncertain significance for Brachyolmia-amelogenesis imperfecta syndrome. Last evaluated: 2023-08-07. Review status: criteria provided, single submitter. Criteria: Invitae Variant Classification Sherloc (09022015). Collection method: clinical testing. Allele origin: germline.
Comment: This sequence change replaces glycine, which is neutral and non-polar, with arginine, which is basic and polar, at codon 458 of the LTBP3 protein (p.Gly458Arg). This variant is not present in population databases (gnomAD no frequency). This variant has not been reported in the literature in individuals affected with LTBP3-related conditions. An algorithm developed to predict the effect of missense changes on protein structure and function (PolyPhen-2) suggests that this variant is likely to be disruptive. In summary, the available evidence is currently insufficient to determine the role of this variant in disease. Therefore, it has been classified as a Variant of Uncertain Significance.

NM_001130144.3(LTBP3):c.1372G>A (p.Gly458Arg)

Gene: LTBP3 (latent transforming growth factor beta binding protein 3; minus strand). Cytogenetic location: 11q13.1.
Variant type: single nucleotide variant.
Coding change: c.1372G>A on transcript NM_001130144.3 (MANE Select); coding-DNA position 1372, G replaced by A.
Protein change: p.Gly458Arg; replaces glycine 458 with arginine.
Molecular consequence: missense variant.
Genome position (GRCh38, 1-based): chr11:65,552,131, C>T on the plus strand (G>A on the coding strand, the complement: LTBP3 is on the minus strand). VCF-style: chr11-65552131-C-T. GRCh37 (hg19) VCF-style: chr11-65319602-C-T.
Other names: c.1021G>A, p.Gly341Arg (NM_001164266.1); c.1372G>A, p.Gly458Arg (NM_021070.4); short protein forms G341R, G458R.
Identifiers: ClinVar variation 2790652 (VCV002790652.3), dbSNP rs2496169310, ClinGen allele CA381273561.